The following is an entry in ClinVar:

ClinVar aggregate classification (germline): Uncertain significance (1 of 4 stars; one submission).

Conditions:
Werner syndrome (WRN). Identifiers: Orphanet 902, MedGen C0043119, MONDO:0010196, OMIM 277700.

Allele frequency attached by ClinVar (database versions not stated): gnomAD exomes below 0.00001; TOPMed below 0.00001; gnomAD 0.00001.
gnomAD v4.1: 2 of 1,614,036 alleles (0.00012%); highest among the groups gnomAD compares: African/African-American, 0.0027%; no homozygotes.

Submission:

Labcorp Genetics (formerly Invitae), Labcorp
Classification: Uncertain significance for Werner syndrome. Last evaluated: 2023-03-20. Review status: criteria provided, single submitter. Criteria: Invitae Variant Classification Sherloc (09022015). Collection method: clinical testing. Allele origin: germline.
Comment: This sequence change falls in intron 25 of the WRN gene. It does not directly change the encoded amino acid sequence of the WRN protein. This variant is not present in population databases (gnomAD no frequency). This variant has not been reported in the literature in individuals affected with WRN-related conditions. Algorithms developed to predict the effect of sequence changes on RNA splicing suggest that this variant may disrupt the consensus splice site. In summary, the available evidence is currently insufficient to determine the role of this variant in disease. Therefore, it has been classified as a Variant of Uncertain Significance.

NM_000553.6(WRN):c.3139-4A>G

Gene: WRN (WRN RecQ like helicase; plus strand). Cytogenetic location: 8p12.
Variant type: single nucleotide variant.
Coding change: c.3139-4A>G on transcript NM_000553.6 (MANE Select); 4 bases into the intron before coding-DNA position 3139, A replaced by G.
Molecular consequence: intron variant.
Genome position (GRCh38, 1-based): chr8:31,141,677, A>G. VCF-style: chr8-31141677-A-G. GRCh37 (hg19) VCF-style: chr8-30999193-A-G.
Identifiers: ClinVar variation 2994669 (VCV002994669.3), dbSNP rs1341127883, ClinGen allele CA850740279.